The following is an entry in ClinVar:

ClinVar aggregate classification (germline): Uncertain significance (1 of 4 stars; one submission).

gnomAD v4.1: 7 of 1,600,732 alleles (0.00044%); highest among the groups gnomAD compares: African/African-American, 0.0054%; no homozygotes.

Submission:

Labcorp Genetics (formerly Invitae), Labcorp
Classification: Uncertain significance. Last evaluated: 2025-06-12. Review status: criteria provided, single submitter. Criteria: Invitae Variant Classification Sherloc (09022015). Collection method: clinical testing. Allele origin: germline.
Comment: This sequence change replaces arginine, which is basic and polar, with glutamine, which is neutral and polar, at codon 2827 of the DCHS1 protein (p.Arg2827Gln). This variant is present in population databases (rs35599968, gnomAD 0.01%). This variant has not been reported in the literature in individuals affected with DCHS1-related conditions. ClinVar contains an entry for this variant (Variation ID: 1916371). Invitae Evidence Modeling of protein sequence and biophysical properties (such as structural, functional, and spatial information, amino acid conservation, physicochemical variation, residue mobility, and thermodynamic stability) indicates that this missense variant is not expected to disrupt DCHS1 protein function with a negative predictive value of 80%. In summary, the available evidence is currently insufficient to determine the role of this variant in disease. Therefore, it has been classified as a Variant of Uncertain Significance.

NM_003737.4(DCHS1):c.8480G>A (p.Arg2827Gln)

Gene: DCHS1 (dachsous cadherin-related 1; minus strand). Cytogenetic location: 11p15.4.
Variant type: single nucleotide variant.
Coding change: c.8480G>A on transcript NM_003737.4 (MANE Select); coding-DNA position 8480, G replaced by A.
Protein change: p.Arg2827Gln; replaces arginine 2827 with glutamine.
Molecular consequence: missense variant.
Genome position (GRCh38, 1-based): chr11:6,623,196, C>T on the plus strand (G>A on the coding strand, the complement: DCHS1 is on the minus strand). VCF-style: chr11-6623196-C-T. GRCh37 (hg19) VCF-style: chr11-6644427-C-T.
Other names: short protein forms R2827Q.
Identifiers: ClinVar variation 1916371 (VCV001916371.5), dbSNP rs35599968, ClinGen allele CA5859410.